The following is an entry in ClinVar:

ClinVar aggregate classification (germline): Uncertain significance (1 of 4 stars; one submission).

Conditions:
Hereditary cancer-predisposing syndrome. Also called: Tumor predisposition; Hereditary neoplastic syndrome; Hereditary Cancer Syndrome; Neoplastic Syndromes, Hereditary. Identifiers: Orphanet 140162, MedGen C0027672, MeSH D009386, MONDO:0015356.

Submission:

Ambry Genetics
Classification: Uncertain significance for Hereditary cancer-predisposing syndrome. Last evaluated: 2025-05-29. Review status: criteria provided, single submitter. Criteria: Ambry Variant Classification Scheme 2023. Collection method: clinical testing. Allele origin: germline.
Comment: The c.5365_5378+4del18 variant results from a deletion of 18 nucleotides at positions c.5365 to c.5378+4 and involves the canonical splice donor site after coding exon 39 of the POLE gene. In silico splice site analysis predicts that this alteration will weaken the native splice donor site; however, the exact impact of this duplication on POLE splicing and function is currently unknown. The canonical splice donor site is well conserved in available vertebrate species. Based on the available evidence, the clinical significance of this variant remains unclear.

NM_006231.4(POLE):c.5365_5378+4del

Gene: POLE (DNA polymerase epsilon, catalytic subunit; minus strand). Cytogenetic location: 12q24.33.
Variant type: Deletion.
Coding change: c.5365_5378+4del on transcript NM_006231.4 (MANE Select); coding-DNA position 5365 through 4 bases into the intron after coding-DNA position 5378, 18 bases deleted (TCTAACACCTTCAGGTGC).
Molecular consequence: splice donor variant.
Genome position (GRCh38, 1-based): chr12:132,641,643-132,641,660, GCACCTGAAGGTGTTAGA deleted on the plus strand (TCTAACACCTTCAGGTGC on the coding strand, the reverse complement: POLE is on the minus strand); deleting any 18 consecutive bases within chr12:132,641,643-132,641,664 gives the same sequence; the c. name uses the placement nearest the transcript's 3' end. VCF-style (leftmost placement, unchanged base first): chr12-132641642-GGCACCTGAAGGTGTTAGA-G. GRCh37 (hg19) VCF-style: chr12-133218228-GGCACCTGAAGGTGTTAGA-G.
Identifiers: ClinVar variation 3935779 (VCV003935779.1).